The following is an entry in ClinVar:

ClinVar aggregate classification (germline): Uncertain significance (1 of 4 stars; one submission).

Conditions:
Hereditary sensory and autonomic neuropathy type 6. Also called: HSAN VI; Neuropathy, hereditary sensory and autonomic, type VI. Identifiers: Orphanet 314381, MedGen C3539003, MONDO:0013839, OMIM 614653.
Epidermolysis bullosa simplex 3, localized or generalized intermediate, with BP230 deficiency (EBS3). Also called: Epidermolysis bullosa simplex, autosomal recessive 2; Epidermolysis bullosa simplex due to BP230 deficiency. Identifiers: Orphanet 412181, MedGen C3809470, MONDO:0014180, OMIM 615425.

Submission:

Labcorp Genetics (formerly Invitae), Labcorp
Classification: Uncertain significance for Epidermolysis bullosa simplex 3, localized or generalized intermediate, with BP230 deficiency; Hereditary sensory and autonomic neuropathy type 6. Last evaluated: 2022-09-19. Review status: criteria provided, single submitter. Criteria: Invitae Variant Classification Sherloc (09022015). Collection method: clinical testing. Allele origin: germline.
Comment: This variant has not been reported in the literature in individuals affected with DST-related conditions. In summary, the available evidence is currently insufficient to determine the role of this variant in disease. Therefore, it has been classified as a Variant of Uncertain Significance. Experimental studies and prediction algorithms are not available or were not evaluated, and the functional significance of this variant is currently unknown. This variant is not present in population databases (gnomAD no frequency). This sequence change replaces leucine, which is neutral and non-polar, with phenylalanine, which is neutral and non-polar, at codon 1299 of the DST protein (p.Leu1299Phe). The DST gene has multiple clinically relevant transcripts. This variant occurs in alternate transcript NM_015548.4, and corresponds to NM_001723.5:c.*16879A>T in the primary transcript.

NM_001374736.1(DST):c.11766A>T (p.Leu3922Phe)

Gene: DST (dystonin; minus strand). Cytogenetic location: 6p12.1.
Variant type: single nucleotide variant.
Coding change: c.11766A>T on transcript NM_001374736.1 (MANE Select); coding-DNA position 11766, A replaced by T.
Protein change: p.Leu3922Phe; replaces leucine 3922 with phenylalanine.
Molecular consequence: missense variant.
Genome position (GRCh38, 1-based): chr6:56,598,638, T>A on the plus strand (A>T on the coding strand, the complement: DST is on the minus strand). VCF-style: chr6-56598638-T-A. GRCh37 (hg19) VCF-style: chr6-56463436-T-A.
Other names: c.5409A>T, p.Leu1803Phe (NM_001144769.5); c.4995A>T, p.Leu1665Phe (NM_001144770.2); c.11766A>T, p.Leu3922Phe (NM_001374722.1); c.11133A>T, p.Leu3711Phe (NM_001374729.1); c.4875A>T, p.Leu1625Phe (NM_001374730.1, NM_001386100.1, NM_183380.4); c.11793A>T, p.Leu3931Phe (NM_001374734.1); c.3897A>T, p.Leu1299Phe (NM_015548.5); short protein forms L1299F, L1625F, L1665F, L1803F, L3711F, L3922F, L3931F.
Identifiers: ClinVar variation 1912048 (VCV001912048.5), dbSNP rs2536248160, ClinGen allele CA364529261.
Genomic context (GRCh38, chr6:56,598,638, plus strand): 5'-ATTAAGTTTCTGTTCAATCAAAGCCTTATCTTCCTGTGACAGCTTTTCACCATTCTCTTT[T>A]AAGAAGTTCTCTGTGTTTTTCACTACTTCAGCCAATGCCTGTGCACTTCCTTGCATATCT-3'
Protein context (NP_001361665.1, residues 3912-3932): AEVVKNTENF[Leu3922Phe]KENGEKLSQE